The following is an entry in ClinVar:

ClinVar aggregate classification (germline): Pathogenic (1 of 4 stars; one submission).

Conditions:
Hereditary diffuse gastric adenocarcinoma (HDGC). Also called: DIFFUSE GASTRIC AND LOBULAR BREAST CANCER SYNDROME. Identifiers: Orphanet 26106, MedGen C1708349, MONDO:0007648, OMIM 137215.

Submission:

Myriad Genetics, Inc.
Classification: Pathogenic for Hereditary diffuse gastric adenocarcinoma. Last evaluated: 2023-11-07. Review status: criteria provided, single submitter. Criteria: Myriad Autosomal Dominant, Autosomal Recessive and X-Linked Classification Criteria (2023). Collection method: clinical testing. Allele origin: unknown.
Comment: This variant is considered pathogenic. This variant creates a frameshift predicted to result in premature protein truncation.

NM_001903.5(CTNNA1):c.608_623del (p.His203fs)

Gene: CTNNA1 (catenin alpha 1; plus strand). Cytogenetic location: 5q31.2.
Variant type: Deletion.
Coding change: c.608_623del on transcript NM_001903.5 (MANE Select); coding-DNA positions 608 to 623, 16 bases deleted (ATCGTGATCAGATGGC).
Protein change: p.His203fs; shifts the reading frame from histidine 203.
Molecular consequence: frameshift variant.
Genome position (GRCh38, 1-based): chr5:138,824,549-138,824,564, ATCGTGATCAGATGGC deleted; deleting any 16 consecutive bases within chr5:138,824,548-138,824,564 gives the same sequence; the c. name uses the placement nearest the transcript's 3' end. VCF-style (leftmost placement, unchanged base first): chr5-138824547-CCATCGTGATCAGATGG-C. GRCh37 (hg19) VCF-style: chr5-138160236-CCATCGTGATCAGATGG-C.
Other names: c.608_623del, p.His203fs (NM_001290307.3, NM_001323982.2, NM_001323983.1 and 3 more transcripts); c.299_314del, p.His100fs (NM_001290309.3); c.239_254del, p.His80fs (NM_001290310.3); short protein forms H100fs, H203fs, H80fs.
Identifiers: ClinVar variation 2674003 (VCV002674003.1), dbSNP rs2532423112, ClinGen allele CA2695198754.